The following is an entry in ClinVar:

ClinVar aggregate classification (germline): Uncertain significance (1 of 4 stars; one submission).

gnomAD v4.1: 1 of 1,614,178 alleles (0.000062%); highest among the groups gnomAD compares: Non-Finnish European, 0.000085%; no homozygotes.

Submission:

Ambry Genetics
Classification: Uncertain significance. Last evaluated: 2024-05-16. Review status: criteria provided, single submitter. Criteria: Ambry Variant Classification Scheme 2023. Collection method: clinical testing. Allele origin: germline.
Comment: The p.N528K variant (also known as c.1584T>G), located in coding exon 9 of the GALNT12 gene, results from a T to G substitution at nucleotide position 1584. The asparagine at codon 528 is replaced by lysine, an amino acid with similar properties. This amino acid position is conserved. In addition, this alteration is predicted to be tolerated by in silico analysis. Based on the available evidence, the clinical significance of this variant remains unclear.

NM_024642.5(GALNT12):c.1584T>G (p.Asn528Lys)

Gene: GALNT12 (polypeptide N-acetylgalactosaminyltransferase 12; plus strand). Cytogenetic location: 9q22.33.
Variant type: single nucleotide variant.
Coding change: c.1584T>G on transcript NM_024642.5 (MANE Select); coding-DNA position 1584, T replaced by G.
Protein change: p.Asn528Lys; replaces asparagine 528 with lysine.
Molecular consequence: missense variant.
Genome position (GRCh38, 1-based): chr9:98,846,102, T>G. VCF-style: chr9-98846102-T-G. GRCh37 (hg19) VCF-style: chr9-101608384-T-G.
Other names: short protein forms N528K.
Identifiers: ClinVar variation 3280584 (VCV003280584.1).